The following is an entry in ClinVar:

NM_000081.4(LYST):c.8779A>T (p.Ile2927Phe)

Gene: LYST (lysosomal trafficking regulator; minus strand). Cytogenetic location: 1q42.3.
Variant type: single nucleotide variant.
Coding change: c.8779A>T on transcript NM_000081.4 (MANE Select); coding-DNA position 8779, A replaced by T.
Protein change: p.Ile2927Phe; replaces isoleucine 2927 with phenylalanine.
Molecular consequence: missense variant.
Genome position (GRCh38, 1-based): chr1:235,733,525, T>A on the plus strand (A>T on the coding strand, the complement: LYST is on the minus strand). VCF-style: chr1-235733525-T-A. GRCh37 (hg19) VCF-style: chr1-235896825-T-A.
Other names: c.8779A>T, p.Ile2927Phe (NM_001301365.1); short protein forms I2927F.
Identifiers: ClinVar variation 1694327 (VCV001694327.7), dbSNP rs554841002, ClinGen allele CA1465777.
Genomic context (GRCh38, chr1:235,733,525, plus strand): 5'-TCATGGAAGACAATTTTAACTGACCTCCCGCAGCTTACCTATCATGTGTCAGCTGCTGAA[T>A]AAGTTCCTGCCAATGTCTGCTGGCACTCAAATCTACTTTATACATTCCTCTAATATGCTG-3'
Protein context (NP_000072.2, residues 2917-2937): LSASRHWQEL[Ile2927Phe]QQLTHDRAVW

ClinVar aggregate classification (germline): Uncertain significance. Review status: criteria provided, multiple submitters, no conflicts (2 of 4 stars). 4 submissions from 4 submitters: Uncertain significance (4). Last evaluated 2022-08-01.

Conditions:
Autoinflammatory syndrome. Identifiers: Orphanet 93665, MedGen C3890737, MONDO:0019751.
Chédiak-Higashi syndrome (CHS). Also called: Chediak-Higashi Syndrome. Identifiers: Orphanet 167, MedGen C0007965, MONDO:0008963, OMIM 214500.

Allele frequency attached by ClinVar (database versions not stated): TOPMed 0.00001; gnomAD 0.00002; gnomAD exomes 0.00005 and 0.00010; ExAC 0.00016; 1000 Genomes Project 30x 0.00031; 1000 Genomes Project 0.00040.
gnomAD v4.1: 73 of 1,614,028 alleles (0.0045%); highest among the groups gnomAD compares: South Asian, 0.076%; no homozygotes.

Submissions (4):

Labcorp Genetics (formerly Invitae), Labcorp
Classification: Uncertain significance for Chédiak-Higashi syndrome. Last evaluated: 2022-08-01. Review status: criteria provided, single submitter. Criteria: Invitae Variant Classification Sherloc (09022015). Collection method: clinical testing. Allele origin: germline.
Comment: This sequence change replaces isoleucine, which is neutral and non-polar, with phenylalanine, which is neutral and non-polar, at codon 2927 of the LYST protein (p.Ile2927Phe). This variant is present in population databases (rs554841002, gnomAD 0.09%). This variant has not been reported in the literature in individuals affected with LYST-related conditions. ClinVar contains an entry for this variant (Variation ID: 1694327). Algorithms developed to predict the effect of missense changes on protein structure and function are either unavailable or do not agree on the potential impact of this missense change (SIFT: "Tolerated"; PolyPhen-2: "Possibly Damaging"; Align-GVGD: "Class C0"). In summary, the available evidence is currently insufficient to determine the role of this variant in disease. Therefore, it has been classified as a Variant of Uncertain Significance.

Center for Genomics, Ann and Robert H. Lurie Children's Hospital of Chicago
Classification: Uncertain significance for Chédiak-Higashi syndrome. Last evaluated: 2022-03-18. Review status: criteria provided, single submitter. Criteria: ACMG Guidelines, 2015. Collection method: clinical testing. Allele origin: germline.
Comment: This variant has not been reported in the literature but is present in 0.08% (25/30610) of South Asian alleles in the Genome Aggregation Database. Evolutionary conservation and computational predictive tools suggest that this variant may not impact the protein. In summary, data on this variant is insufficient for disease classification. Therefore, the clinical significance of this variant is uncertain.

Fulgent Genetics
Classification: Uncertain significance for Chédiak-Higashi syndrome. Last evaluated: 2022-02-09. Review status: criteria provided, single submitter. Criteria: ACMG Guidelines, 2015. Collection method: clinical testing. Allele origin: unknown.

Genome Diagnostics Laboratory, The Hospital for Sick Children
Classification: Uncertain significance for Autoinflammatory syndrome. Last evaluated: 2020-11-16. Review status: criteria provided, single submitter. Criteria: ACMG Guidelines, 2015. Collection method: clinical testing. Allele origin: germline. Affected: yes.